The following is an entry in ClinVar:

NM_006047.6(RBM12):c.2487CGGCCC[2] (p.826GP[5])

Genes: CPNE1 (copine 1; minus strand), RBM12 (RNA binding motif protein 12; minus strand). Cytogenetic location: 20q11.22.
Variant type: Microsatellite.
Coding change: c.2487CGGCCC[2] on transcript NM_006047.6 (MANE Select); two copies in a row of the 6-base unit CGGCCC starting at c.2487; the reference has three copies in a row; one copy, 6 bases deleted.
Protein change: p.826GP[5].
Molecular consequence: inframe deletion. On other transcripts: intron variant (6).
Genome position (GRCh38, 1-based): chr20:35,652,819-35,652,824, GGGCCG deleted on the plus strand (CGGCCC on the coding strand, the reverse complement: RBM12 is on the minus strand); deleting any 6 consecutive bases within chr20:35,652,819-35,652,841 gives the same sequence; the position shown is the placement nearest the transcript's 3' end. VCF-style (leftmost placement, unchanged base first): chr20-35652818-AGGGCCG-A. GRCh37 (hg19) VCF-style: chr20-34240740-AGGGCCG-A.
Other names: c.2487CGGCCC[2], p.826GP[5] (NM_001198838.2, NM_001198840.2, NM_152838.4); c.-1+11966CGGCCC[2] (NM_001198863.2, NM_152926.3); c.-1+11924CGGCCC[2] (NM_152925.3); c.-1+6094CGGCCC[2] (NM_152928.3, NM_152927.3); c.15+692CGGCCC[2] (NM_003915.6).
Identifiers: ClinVar variation 3050136 (VCV003050136.3), dbSNP rs201181145, ClinGen allele CA9836525.

ClinVar aggregate classification (germline): Likely benign. Review status: criteria provided, single submitter (1 of 4 stars). 2 submissions from 2 submitters: Likely benign (1). 1 of the submissions does not count toward it. Last evaluated 2022-08-26.

Conditions:
RBM12-related disorder. Also called: RBM12-related condition.
Schizophrenia 19 (SCZD19). Also called: SCHIZOPHRENIA 19 WITH OR WITHOUT AN AFFECTIVE DISORDER. Identifiers: MedGen C4539944, MONDO:0033312, OMIM 617629.

Submissions (2):

Department of Pathology and Laboratory Medicine, Sinai Health System
Classification: Likely benign for Schizophrenia 19. Last evaluated: 2022-08-26. Review status: criteria provided, single submitter. Criteria: ACMG Guidelines, 2015. Collection method: research. Allele origin: germline.

PreventionGenetics, part of Exact Sciences
Classification: Benign for RBM12-related condition. Last evaluated: 2019-10-31. Review status: no assertion criteria provided. Collection method: clinical testing. Allele origin: germline. Not counted in ClinVar's aggregate classification.
Comment: This variant is classified as benign based on ACMG/AMP sequence variant interpretation guidelines (Richards et al. 2015 PMID: 25741868, with internal and published modifications).